The following is an entry in ClinVar:

NM_000895.3(LTA4H):c.1074G>A (p.Gly358=)

Gene: LTA4H (leukotriene A4 hydrolase; minus strand). Cytogenetic location: 12q23.1.
Variant type: single nucleotide variant.
Coding change: c.1074G>A on transcript NM_000895.3 (MANE Select); coding-DNA position 1074, G replaced by A.
Protein change: p.Gly358=; no amino-acid change (glycine 358 retained).
Molecular consequence: synonymous variant. On other transcripts: non-coding transcript variant (1).
Genome position (GRCh38, 1-based): chr12:96,014,985, C>T on the plus strand (G>A on the coding strand, the complement: LTA4H is on the minus strand). VCF-style: chr12-96014985-C-T. GRCh37 (hg19) VCF-style: chr12-96408763-C-T.
Other names: c.1002G>A, p.Gly334= (NM_001256643.1, NM_001256644.1).
Identifiers: ClinVar variation 786932 (VCV000786932.28), dbSNP rs147001898, ClinGen allele CA6728454.

ClinVar aggregate classification (germline): Benign/Likely benign. Review status: criteria provided, multiple submitters, no conflicts (2 of 4 stars). 3 submissions from 3 submitters: Benign (2); Likely benign (1). Last evaluated 2022-04-01.

Allele frequency attached by ClinVar (database versions not stated): 1000 Genomes Project 30x 0.00031; 1000 Genomes Project 0.00040; ESP Exome Variant Server 0.00131; gnomAD 0.00135; gnomAD exomes 0.00145 and 0.00186; TOPMed 0.00151; ExAC 0.00188.
gnomAD v4.1: 2,386 of 1,609,934 alleles (0.15%); highest among the groups gnomAD compares: Middle Eastern, 0.73%; 14 homozygotes.

Submissions (3):

CeGaT Center for Human Genetics Tuebingen
Classification: Likely benign. Last evaluated: 2022-04-01. Review status: criteria provided, single submitter. Criteria: CeGaT Center For Human Genetics Tuebingen Variant Classification Criteria Version 2. Collection method: clinical testing. Allele origin: germline. Affected: yes. Observed: 1 variant allele.
Comment: LTA4H: BP4, BP7

Labcorp Genetics (formerly Invitae), Labcorp
Classification: Benign. Last evaluated: 2018-07-26. Review status: criteria provided, single submitter. Criteria: Invitae Variant Classification Sherloc (09022015). Collection method: clinical testing. Allele origin: germline.

Breakthrough Genomics
Classification: Benign. Review status: criteria provided, single submitter. Criteria: ACMG Guidelines, 2015. Collection method: not provided. Allele origin: germline. Inheritance: Unknown mechanism. Affected: yes.